The following is an entry in ClinVar:

NM_000433.4(NCF2):c.930A>T (p.Glu310Asp)

Gene: NCF2 (neutrophil cytosolic factor 2; minus strand). Cytogenetic location: 1q25.3.
Variant type: single nucleotide variant.
Coding change: c.930A>T on transcript NM_000433.4 (MANE Select); coding-DNA position 930, A replaced by T.
Protein change: p.Glu310Asp; replaces glutamic acid 310 with aspartic acid.
Molecular consequence: missense variant.
Genome position (GRCh38, 1-based): chr1:183,565,774, T>A on the plus strand (A>T on the coding strand, the complement: NCF2 is on the minus strand). VCF-style: chr1-183565774-T-A. GRCh37 (hg19) VCF-style: chr1-183534909-T-A.
Other names: c.930A>T, p.Glu310Asp (NM_001127651.3); c.687A>T, p.Glu229Asp (NM_001190789.2); c.795A>T, p.Glu265Asp (NM_001190794.2); c.822A>T, p.Glu274Asp (NM_001410895.1); short protein forms E310D, E229D, E265D, E274D.
Identifiers: ClinVar variation 2164035 (VCV002164035.4), dbSNP rs1672274225, ClinGen allele CA343705112.

ClinVar aggregate classification (germline): Uncertain significance (1 of 4 stars; one submission).

Conditions:
Granulomatous disease, chronic, autosomal recessive, cytochrome b-positive, type 2. Also called: Chronic granulomatous disease due to deficiency of NCF-2; Chronic Granulomatous Disease, Autosomal Recessive, Cytochrome b-Positive, Type II; CGD, AUTOSOMAL RECESSIVE CYTOCHROME b-POSITIVE, TYPE II; GRANULOMATOUS DISEASE, CHRONIC, AUTOSOMAL RECESSIVE, 2; GRANULOMATOUS DISEASE, CHRONIC, DUE TO NCF2 DEFICIENCY. Identifiers: Orphanet 379, MedGen C1856245, MONDO:0009310, OMIM 233710.

Allele frequency attached by ClinVar (database versions not stated): gnomAD exomes below 0.00001; gnomAD 0.00001.
gnomAD v4.1: 2 of 1,613,574 alleles (0.00012%); highest among the groups gnomAD compares: South Asian, 0.0022%; no homozygotes.

Submission:

Labcorp Genetics (formerly Invitae), Labcorp
Classification: Uncertain significance for Granulomatous disease, chronic, autosomal recessive, cytochrome b-positive, type 2. Last evaluated: 2022-05-17. Review status: criteria provided, single submitter. Criteria: Invitae Variant Classification Sherloc (09022015). Collection method: clinical testing. Allele origin: germline.
Comment: This variant is not present in population databases (gnomAD no frequency). In summary, the available evidence is currently insufficient to determine the role of this variant in disease. Therefore, it has been classified as a Variant of Uncertain Significance. Algorithms developed to predict the effect of missense changes on protein structure and function output the following: SIFT: "Tolerated"; PolyPhen-2: "Benign"; Align-GVGD: "Class C0". The aspartic acid amino acid residue is found in multiple mammalian species, which suggests that this missense change does not adversely affect protein function. This variant has not been reported in the literature in individuals affected with NCF2-related conditions. This sequence change replaces glutamic acid, which is acidic and polar, with aspartic acid, which is acidic and polar, at codon 310 of the NCF2 protein (p.Glu310Asp).